The following is an entry in ClinVar:

NM_024408.4(NOTCH2):c.863C>A (p.Pro288Gln)

Gene: NOTCH2 (notch receptor 2; minus strand). Cytogenetic location: 1p12.
Variant type: single nucleotide variant.
Coding change: c.863C>A on transcript NM_024408.4 (MANE Select); coding-DNA position 863, C replaced by A.
Protein change: p.Pro288Gln; replaces proline 288 with glutamine.
Molecular consequence: missense variant.
Genome position (GRCh38, 1-based): chr1:119,986,971, G>T on the plus strand (C>A on the coding strand, the complement: NOTCH2 is on the minus strand). VCF-style: chr1-119986971-G-T. GRCh37 (hg19) VCF-style: chr1-120529594-G-T.
Other names: c.863C>A, p.Pro288Gln (NM_001200001.2); short protein forms P288Q.
Identifiers: ClinVar variation 2246343 (VCV002246343.3), dbSNP rs1652043534, ClinGen allele CA341887398.
Genomic context (GRCh38, chr1:119,986,971, plus strand): 5'-GGTTACCAATCCATATCCCATTCTGGTGGATTCTCCACACTGTACATACCTGTCCATTGT[G>T]GGGGACAGCGGCAGTTGTAAGTGTTGACCCCATCCACACAAACCCCTCCATTCTGACACC-3'
Protein context (NP_077719.2, residues 278-298): GVNTYNCRCP[Pro288Gln]QWTGQFCTED

ClinVar aggregate classification (germline): Uncertain significance. Review status: criteria provided, multiple submitters, no conflicts (2 of 4 stars). 2 submissions from 2 submitters: Uncertain significance (2). Last evaluated 2025-08-07.

Conditions:
Inborn genetic diseases. Identifiers: MedGen C0950123, MeSH D030342.
NOTCH2-related disorder. Also called: NOTCH2-related condition.

Allele frequency attached by ClinVar (database versions not stated): TOPMed 0.00001.
gnomAD v4.1: 4 of 1,613,578 alleles (0.00025%); highest among the groups gnomAD compares: Non-Finnish European, 0.00034%; no homozygotes.

Submissions (2):

PreventionGenetics, part of Exact Sciences
Classification: Uncertain significance for NOTCH2-related condition. Last evaluated: 2025-08-07. Review status: criteria provided, single submitter. Criteria: ACMG Guidelines, 2015. Collection method: clinical testing. Allele origin: germline.
Comment: The NOTCH2 c.863C>A variant is predicted to result in the amino acid substitution p.Pro288Gln. To our knowledge, this variant has not been reported in the literature or in a large population database (gnomAD), indicating this variant is rare. At this time, the clinical significance of this variant is uncertain due to the absence of conclusive functional and genetic evidence.

Ambry Genetics
Classification: Uncertain significance for Inborn genetic diseases. Last evaluated: 2021-08-17. Review status: criteria provided, single submitter. Criteria: Ambry Variant Classification Scheme 2023. Collection method: clinical testing. Allele origin: germline.